The following is an entry in ClinVar:

ClinVar aggregate classification (germline): Uncertain significance (1 of 4 stars; one submission).

Conditions:
Hypertrophic cardiomyopathy 19. Also called: Familial hypertrophic cardiomyopathy 19. Identifiers: MedGen CN077603, MONDO:0013476.

Submission:

Labcorp Genetics (formerly Invitae), Labcorp
Classification: Uncertain significance for Hypertrophic cardiomyopathy 19. Last evaluated: 2024-09-26. Review status: criteria provided, single submitter. Criteria: Invitae Variant Classification Sherloc (09022015). Collection method: clinical testing. Allele origin: germline.
Comment: This sequence change replaces glutamic acid, which is acidic and polar, with aspartic acid, which is acidic and polar, at codon 360 of the CALR3 protein (p.Glu360Asp). This variant is not present in population databases (gnomAD no frequency). This variant has not been reported in the literature in individuals affected with CALR3-related conditions. Invitae Evidence Modeling of protein sequence and biophysical properties (such as structural, functional, and spatial information, amino acid conservation, physicochemical variation, residue mobility, and thermodynamic stability) indicates that this missense variant is not expected to disrupt CALR3 protein function with a negative predictive value of 80%. In summary, the available evidence is currently insufficient to determine the role of this variant in disease. Therefore, it has been classified as a Variant of Uncertain Significance.

NM_145046.5(CALR3):c.1080G>T (p.Glu360Asp)

Gene: CALR3 (calreticulin 3; minus strand). Cytogenetic location: 19p13.11.
Variant type: single nucleotide variant.
Coding change: c.1080G>T on transcript NM_145046.5 (MANE Select); coding-DNA position 1080, G replaced by T.
Protein change: p.Glu360Asp; replaces glutamic acid 360 with aspartic acid.
Molecular consequence: missense variant.
Genome position (GRCh38, 1-based): chr19:16,479,206, C>A on the plus strand (G>T on the coding strand, the complement: CALR3 is on the minus strand). VCF-style: chr19-16479206-C-A. GRCh37 (hg19) VCF-style: chr19-16590017-C-A.
Other names: short protein forms E360D.
Identifiers: ClinVar variation 3673994 (VCV003673994.2).